The following is an entry in ClinVar:

NM_015114.3(ANKLE2):c.598T>G (p.Tyr200Asp)

Gene: ANKLE2 (ankyrin repeat and LEM domain containing 2; minus strand). Cytogenetic location: 12q24.33.
Variant type: single nucleotide variant.
Coding change: c.598T>G on transcript NM_015114.3 (MANE Select); coding-DNA position 598, T replaced by G.
Protein change: p.Tyr200Asp; replaces tyrosine 200 with aspartic acid.
Molecular consequence: missense variant.
Genome position (GRCh38, 1-based): chr12:132,754,717, A>C on the plus strand (T>G on the coding strand, the complement: ANKLE2 is on the minus strand). VCF-style: chr12-132754717-A-C. GRCh37 (hg19) VCF-style: chr12-133331303-A-C.
Other names: c.598T>G (NM_015114.1); short protein forms Y200D.
Identifiers: ClinVar variation 3370596 (VCV003370596.3).

ClinVar aggregate classification (germline): Uncertain significance. Review status: criteria provided, multiple submitters, no conflicts (2 of 4 stars). 2 submissions from 2 submitters: Uncertain significance (2). Last evaluated 2025-04-25.

Conditions:
Inborn genetic diseases. Identifiers: MedGen C0950123, MeSH D030342.

gnomAD v4.1: 88 of 1,613,788 alleles (0.0055%); highest among the groups gnomAD compares: Non-Finnish European, 0.0074%; no homozygotes.

Submissions (2):

GeneDx
Classification: Uncertain significance. Last evaluated: 2025-04-25. Review status: criteria provided, single submitter. Criteria: GeneDx Variant Classification Process June 2021. Collection method: clinical testing. Allele origin: germline. Affected: yes.
Comment: Not observed at significant frequency in large population cohorts (gnomAD); In silico analysis supports that this missense variant has a deleterious effect on protein structure/function; Has not been previously published as pathogenic or benign to our knowledge

Ambry Genetics
Classification: Uncertain significance for Inborn genetic diseases. Last evaluated: 2024-08-05. Review status: criteria provided, single submitter. Criteria: Ambry Variant Classification Scheme 2023. Collection method: clinical testing. Allele origin: germline.